The following is an entry in ClinVar:

ClinVar aggregate classification (germline): Conflicting classifications of pathogenicity. Review status: criteria provided, conflicting classifications (1 of 4 stars). 8 submissions from 7 submitters: Pathogenic (1); Likely pathogenic (1); Uncertain significance (6). Last evaluated 2025-04-08.

Conditions:
Inborn genetic diseases. Identifiers: MedGen C0950123, MeSH D030342.
Mitochondrial complex I deficiency, nuclear type 21. Also called: Mitochondrial complex 1 deficiency, nuclear type 21. Identifiers: MedGen C4748792, MONDO:0032625, OMIM 618242.

Allele frequency attached by ClinVar (database versions not stated): TOPMed 0.00011; gnomAD exomes 0.00014; ExAC 0.00016; gnomAD 0.00016 and 0.00017; ESP Exome Variant Server 0.00034.
gnomAD v4.1: 241 of 1,613,554 alleles (0.015%); highest among the groups gnomAD compares: Non-Finnish European, 0.019%; no homozygotes.

Submissions (8):

Undiagnosed Diseases Network, NIH
Classification: Pathogenic for Mitochondrial complex I deficiency, nuclear type 21. Last evaluated: 2025-04-08. Review status: criteria provided, single submitter. Criteria: ACMG Guidelines, 2015. Collection method: clinical testing. Allele origin: maternal. Inheritance: Autosomal recessive inheritance. Affected: yes. Observed: 1 variant allele, 1 compound heterozygote. Study: Undiagnosed Diseases Network (NIH), UDN.
Comment: This variant has been previously reported, often co-occurring in cis with the c.815-27T>C variant, in a homozygous state or in conjunction with another variant in individuals with mitochondrial complex I deficiency (PMID: 20818383, 23553477, 32518176). Fibroblasts from patients with this variant produces diminished residual complex I activity (PMID: 20818383). This missense variant is predicted to be deleterious (CADD: 31.000, REVEL: 0.371). The evolutionary conservation of this residue is high.

Women's Health and Genetics/Laboratory Corporation of America, LabCorp
Classification: Uncertain significance. Last evaluated: 2024-11-12. Review status: criteria provided, single submitter. Criteria: LabCorp Variant Classification Summary - May 2015. Collection method: clinical testing. Allele origin: germline.
Comment: Variant summary: NUBPL c.166G>A (p.Gly56Arg) results in a non-conservative amino acid change in the encoded protein sequence. Four of five in-silico tools predict a damaging effect of the variant on protein function. The variant allele was found at a frequency of 0.00014 in 248964 control chromosomes, predominantly at a frequency of 0.0003 within the Non-Finnish European subpopulation in the gnomAD database, including 1 homozygote. This frequency is not significantly higher than estimated for a pathogenic variant in NUBPL causing Mitochondrial Complex 1 Deficiency, Nuclear Type 21, allowing no conclusion about variant significance. c.166G>A has been reported in the literature in cis with c.815-27T>C in individuals affected with Mitochondrial Complex 1 Deficiency, Nuclear Type 21 (e.g. Calvo_2010, Kevelam_2013, Kimonis_2021). These reports do not provide unequivocal conclusions about association of the variant with Mitochondrial Complex 1 Deficiency, Nuclear Type 21. At least one publication reports experimental evidence evaluating an impact on protein function (Tucker_2012). These results showed no damaging effect of this variant. The following publications have been ascertained in the context of this evaluation (PMID: 20818383, 22072591, 23553477, 32518176). ClinVar contains an entry for this variant (Variation ID: 214885). Based on the evidence outlined above, the variant was classified as uncertain significance.

Blueprint Genetics
Classification: Uncertain significance. Last evaluated: 2024-10-15. Review status: criteria provided, single submitter. Criteria: ACMG Guidelines, 2015. Collection method: clinical testing. Allele origin: germline.

Revvity Omics, Revvity
Classification: Uncertain significance for Mitochondrial complex I deficiency, nuclear type 21. Last evaluated: 2023-09-01. Review status: criteria provided, single submitter. Criteria: ACMG Guidelines, 2015. Collection method: clinical testing. Allele origin: germline.

Labcorp Genetics (formerly Invitae), Labcorp
Classification: Uncertain significance. Last evaluated: 2022-07-05. Review status: criteria provided, single submitter. Criteria: Invitae Variant Classification Sherloc (09022015). Collection method: clinical testing. Allele origin: germline.
Comment: ClinVar contains an entry for this variant (Variation ID: 214885). This sequence change replaces glycine, which is neutral and non-polar, with arginine, which is basic and polar, at codon 56 of the NUBPL protein (p.Gly56Arg). This variant is present in population databases (rs200401432, gnomAD 0.03%). This missense change has been observed in individual(s) with mitochondrial complex I deficiency. In all cases this variant has been reported to occur on the same chromosome (in cis) with c.815-27T>C. (PMID: 20818383, 22072591, 23553477, 32518176). Algorithms developed to predict the effect of missense changes on protein structure and function (SIFT, PolyPhen-2, Align-GVGD) all suggest that this variant is likely to be disruptive. Algorithms developed to predict the effect of sequence changes on RNA splicing suggest that this variant may create or strengthen a splice site. In summary, the available evidence is currently insufficient to determine the role of this variant in disease. Therefore, it has been classified as a Variant of Uncertain Significance.

Ambry Genetics
Classification: Likely pathogenic for Inborn genetic diseases. Last evaluated: 2021-04-13. Review status: criteria provided, single submitter. Criteria: Ambry Variant Classification Scheme 2023. Collection method: clinical testing. Allele origin: germline.
Comment: The c.166G>A (p.G56R) alteration is located in coding exon 2 of the NUBPL gene. This alteration results from a G to A substitution at nucleotide position 166, causing the glycine (G) at amino acid position 56 to be replaced by an arginine (R). Based on data from the Genome Aggregation Database (gnomAD) database, the NUBPL p.G56R (c.166G>A) alteration was observed in 0.01% (41/280362) of total alleles studied (including 1 homozygote), with a frequency of 0.03% (39/128288) in the European (non-Finnish) subpopulation. The [c.166G>A (p.G56R); c.815-27T>C] complex allele has been reported in the homozygous state, compound heterozygous state, and confirmed in trans with a second pathogenic allele in multiple unrelated patients with mitochondrial encephalomyopathy (Calvo, 2010; Kevelam, 2013). Emerging evidence is suggestive that the NUBPL [c.166G>A (p.G56R); c.815-27T>C] complex allele is likely pathogenic when these alterations are in cis; however, the clinical significance of these alterations in isolation remains uncertain. The p.G56 amino acid is highly conserved in available vertebrate species. Functional analysis of cultured fibroblasts from a patient bearing the [c.166G>A (p.G56R); c.815-27T>C] complex allele in trans with a complex rearrangement, as well as a control patient who was heterozygous for only the c.815-27T>C alteration, demonstrated an aberrant RT-PCR pattern with three distinct transcripts: wild-type, a lengthened transcript resulting from a cryptic splice site which introduces an additional 72 bp and results in a frameshift (p.G272Vfs*11), as well as a truncated transcript generated due to exon 10 skipping resulting in a frameshift (p.D273Qfs*31) (Tucker, 2012). Analysis by qRT-PCR and Western blot showed that the heterozygous control with only the c.815-27T>C alteration had reduced mRNA expression (74%) and protein expression (59%) compared to wild type controls, and the patient with the [c.166G>A (p.G56R); c.815-27T>C] complex allele and complex rearrangement on the other allele had more significant reduction in mRNA expression (15%) and undetectable protein expression (Tucker, 2012). No defective function was identified when the protein with the G56R missense change was over-expressed (Tucker, 2012). The p.D273Qfs*31 transcript is completely non-functional in yeast assays (Wydro, 2013; Maclean, 2018). The p.G56R alteration is predicted to be tolerated by protein in silico analysis. Based on the available evidence, this alteration is classified as likely pathogenic.

Undiagnosed Diseases Network, NIH
Classification: Uncertain significance for Mitochondrial complex I deficiency, nuclear type 21. Last evaluated: 2020-08-24. Review status: criteria provided, single submitter. Criteria: ACMG Guidelines, 2015. Collection method: clinical testing. Allele origin: paternal. Inheritance: Autosomal recessive inheritance. Affected: yes. Observed: 1 variant allele, 1 compound heterozygote. Study: Undiagnosed Diseases Network (NIH), UDN.

GeneDx
Classification: Uncertain significance. Last evaluated: 2020-06-21. Review status: criteria provided, single submitter. Criteria: GeneDx Variant Classification Process June 2021. Collection method: clinical testing. Allele origin: germline. Affected: yes.
Comment: Reported previously as a pathogenic variant in individuals with mitochondrial complex I deficiency who also harbored a splice variant on the same NUBPL allele (in cis) and another sequence change on the opposite NUBPL allele (Calvo et al., 2010; Tucker et al., 2012; Kevelam et al., 2013).; Functional analysis found this variant does not complex I assembly or function (Calvo et al., 2010; Kevelam et al., 2013); In silico analysis supports that this missense variant has a deleterious effect on protein structure/function; This variant is associated with the following publications: (PMID: 32518176, 23553477, 20818383, 23828044, 22072591, 31787496)

Literature cited by the submitters: PubMed 20818383 (cited by 3 submitters); PubMed 23553477 (cited by 3 submitters); PubMed 22072591 (cited by 3 submitters); PubMed 32518176 (cited by Women's Health and Genetics/Laboratory Corporation of America, LabCorp and Labcorp Genetics (formerly Invitae), Labcorp); PubMed 23828044 (cited by Ambry Genetics); PubMed 29982452 (cited by Ambry Genetics).

NM_025152.3(NUBPL):c.166G>A (p.Gly56Arg)

Gene: NUBPL (NUBP iron-sulfur cluster assembly factor, mitochondrial; plus strand). Cytogenetic location: 14q12.
Variant type: single nucleotide variant.
Coding change: c.166G>A on transcript NM_025152.3 (MANE Select); coding-DNA position 166, G replaced by A.
Protein change: p.Gly56Arg; replaces glycine 56 with arginine.
Molecular consequence: missense variant. On other transcripts: non-coding transcript variant (1).
Genome position (GRCh38, 1-based): chr14:31,562,125, G>A. VCF-style: chr14-31562125-G-A. GRCh37 (hg19) VCF-style: chr14-32031331-G-A.
Other names: short protein forms G56R.
Identifiers: ClinVar variation 214885 (VCV000214885.17), dbSNP rs200401432, ClinGen allele CA321015.